The following is an entry in ClinVar:

ClinVar aggregate classification (germline): Uncertain significance (1 of 4 stars; one submission).

Allele frequency attached by ClinVar (database versions not stated): gnomAD 0.00001; gnomAD exomes 0.00001; TOPMed 0.00001.
gnomAD v4.1: 7 of 1,614,004 alleles (0.00043%); highest among the groups gnomAD compares: African/African-American, 0.0013%; no homozygotes.

Submission:

Labcorp Genetics (formerly Invitae), Labcorp
Classification: Uncertain significance. Last evaluated: 2025-01-05. Review status: criteria provided, single submitter. Criteria: Invitae Variant Classification Sherloc (09022015). Collection method: clinical testing. Allele origin: germline.
Comment: This sequence change replaces glutamic acid, which is acidic and polar, with lysine, which is basic and polar, at codon 2422 of the FLNB protein (p.Glu2422Lys). This variant is present in population databases (no rsID available, gnomAD 0.007%). This variant has not been reported in the literature in individuals affected with FLNB-related conditions. ClinVar contains an entry for this variant (Variation ID: 2103861). Invitae Evidence Modeling of protein sequence and biophysical properties (such as structural, functional, and spatial information, amino acid conservation, physicochemical variation, residue mobility, and thermodynamic stability) indicates that this missense variant is not expected to disrupt FLNB protein function with a negative predictive value of 95%. In summary, the available evidence is currently insufficient to determine the role of this variant in disease. Therefore, it has been classified as a Variant of Uncertain Significance.

NM_001457.4(FLNB):c.7264G>A (p.Glu2422Lys)

Genes: FLNB (filamin B; plus strand), FLNB-AS1 (FLNB antisense RNA 1; minus strand). Cytogenetic location: 3p14.3.
Variant type: single nucleotide variant.
Coding change: c.7264G>A on transcript NM_001457.4 (MANE Select); coding-DNA position 7264, G replaced by A.
Protein change: p.Glu2422Lys; replaces glutamic acid 2422 with lysine.
Molecular consequence: missense variant.
Genome position (GRCh38, 1-based): chr3:58,168,505, G>A. VCF-style: chr3-58168505-G-A. GRCh37 (hg19) VCF-style: chr3-58154232-G-A.
Other names: c.7357G>A, p.Glu2453Lys (NM_001164317.2); c.7231G>A, p.Glu2411Lys (NM_001164318.2); c.7192G>A, p.Glu2398Lys (NM_001164319.2); short protein forms E2422K, E2453K, E2398K, E2411K.
Identifiers: ClinVar variation 2103861 (VCV002103861.4), dbSNP rs1192269799, ClinGen allele CA353334727.
Genomic context (GRCh38, chr3:58,168,505, plus strand): 5'-CAGTCGGAATTCTTTATTAACACCACCCGAGCAGGTCCAGGGACATTATCCGTCACCATC[G>A]AAGGCCCATCCAAGGTTAAAATGGATTGCCAGGAAACACCTGAAGGGTACAAAGTCATGT-3'
Protein context (NP_001448.2, residues 2412-2432): AGPGTLSVTI[Glu2422Lys]GPSKVKMDCQ